The following is an entry in ClinVar:

ClinVar aggregate classification (germline): Conflicting classifications of pathogenicity. Review status: criteria provided, conflicting classifications (1 of 4 stars). 3 submissions from 3 submitters: Likely pathogenic (2); Uncertain significance (1). Last evaluated 2024-02-29.

Conditions:
X-linked Alport syndrome (ATS1). Also called: COL4A5-Related Nephropathy; NEPHROPATHY AND DEAFNESS, X-LINKED. Identifiers: Orphanet 63, Orphanet 88917, MedGen C4746986, MONDO:0010520, OMIM 301050.

Submissions (3):

Fulgent Genetics
Classification: Likely pathogenic for X-linked Alport syndrome. Last evaluated: 2024-02-29. Review status: criteria provided, single submitter. Criteria: ACMG Guidelines, 2015. Collection method: clinical testing. Allele origin: germline.

Department of Nephrology, Rheumatology and Immunology, Shanghai Children's Hospital
Classification: Uncertain significance for X-linked Alport syndrome. Last evaluated: 2019-08-31. Review status: criteria provided, single submitter. Criteria: ACMG Guidelines, 2015. Collection method: clinical testing. Allele origin: maternal. Affected: yes. Observed: 1 variant allele.
Comment: The NM_033380.3(COL4A5):c.1225G>A (p.Gly409Ser) is a missense variant located in a Gly-X-Y repeat of the collagenous domain of COL4A5. This variant is absent in the gnomAD v3.1.2 (GRCh38) population database (PM2). Multiple computational tools predict this variant to have a deleterious effect on the protein product (PP3). In summary, this variant meets criteria to be classified as Uncertain Significance for Alport syndrome based on the ACMG/AMP 2015 criteria applied: PM2, PP1, PP3, PP4.

Victorian Clinical Genetics Services, Murdoch Childrens Research Institute
Classification: Likely pathogenic for X-linked Alport syndrome. Last evaluated: 2018-05-23. Review status: criteria provided, single submitter. Criteria: ACMG Guidelines, 2015. Collection method: clinical testing. Allele origin: unknown. Affected: yes.
Comment: A heterozygous missense variant, NM_000495.4(COL4A5):c.1225G>A, has been identified in exon 20 of 51 of the COL4A5 gene. The variant is predicted to result in a minor amino acid change from glycine to serine at position 409 of the protein (NP_000486.1(COL4A5):p.(Gly409Ser)). The glycine residue at this position has very high conservation (100 vertebrates, UCSC), and is located within the collagen triple helical functional domain. In-silico predictions for this variant are consistently pathogenic (Polyphen, SIFT, CADD, Mutation Taster). The variant is absent in population databases (gnomAD, dbSNP, 1000G). This variant has not been previously reported in clinical cases. A different variant in the same codon resulting in a change to aspartic acid (p.Gly409Asp) has also been shown to cause Alport Syndrome (Renieri A. et al., (1996)). Based on the information available at the time of curation, this variant has been classified as LIKELY PATHOGENIC.

NM_033380.3(COL4A5):c.1225G>A (p.Gly409Ser)

Gene: COL4A5 (collagen type IV alpha 5 chain; plus strand). Cytogenetic location: Xq22.3.
Variant type: single nucleotide variant.
Coding change: c.1225G>A on transcript NM_033380.3 (MANE Select); coding-DNA position 1225, G replaced by A.
Protein change: p.Gly409Ser; replaces glycine 409 with serine.
Molecular consequence: missense variant.
Genome position (GRCh38, 1-based): chrX:108,591,117, G>A. VCF-style: chrX-108591117-G-A. GRCh37 (hg19) VCF-style: chrX-107834347-G-A.
Other names: c.1225G>A, p.Gly409Ser (NM_000495.5); short protein forms G409S.
Identifiers: ClinVar variation 975073 (VCV000975073.5), dbSNP rs2066425550, ClinGen allele CA413932449.
Genomic context (GRCh38, chrX:108,591,117, plus strand): 5'-GGGGCTGCAGTTATGGGTCCTCCTGGCCCTCCTGGATTTCCTGGAGAAAGGGGTCAGAAA[G>A]GTGATGAAGGACCACCTGGAATTTCCATTCCTGGACCTCCTGGACTTGACGGACAGCCTG-3'
Protein context (NP_203699.1, residues 399-419): PGFPGERGQK[Gly409Ser]DEGPPGISIP